The following is an entry in ClinVar:

ClinVar aggregate classification (germline): Pathogenic (1 of 4 stars; one submission).

Conditions:
Tyrosinase-positive oculocutaneous albinism (OCA2). Also called: ALBINISM II; Oculocutaneous albinism type 2; Albinism, oculocutaneous, type II. Identifiers: Orphanet 79432, MedGen C0268495, MONDO:0008746, OMIM 203200.

Submission:

Myriad Genetics, Inc.
Classification: Pathogenic for Tyrosinase-positive oculocutaneous albinism. Last evaluated: 2026-01-21. Review status: criteria provided, single submitter. Criteria: Myriad Autosomal Dominant, Autosomal Recessive and X-Linked Classification Criteria (2023). Collection method: clinical testing. Allele origin: unknown.
Comment: NM_000275.2(OCA2):c.226dupA(R76Kfs*15) is expected to be pathogenic in the context of oculocutaneous albinism, OCA2-related. This variant is predicted to lead to an abnormal or absent protein product due to the creation of a premature termination codon in OCA2, a gene where loss-of-function variants are known to be pathogenic. Please note: this variant was assessed in the context of healthy population screening.

NM_000275.3(OCA2):c.226dup (p.Arg76fs)

Gene: OCA2 (OCA2 melanosomal transmembrane protein; minus strand). Cytogenetic location: 15q13.1.
Variant type: Duplication.
Coding change: c.226dup on transcript NM_000275.3 (MANE Select); coding-DNA position 226, one base duplicated (A; older notation c.226dupA).
Protein change: p.Arg76fs; shifts the reading frame from arginine 76.
Molecular consequence: frameshift variant.
Genome position (GRCh38, 1-based): chr15:28,081,649, T duplicated on the plus strand (A on the coding strand, the reverse complement: OCA2 is on the minus strand). VCF-style (leftmost placement, unchanged base first): chr15-28081648-C-CT. GRCh37 (hg19) VCF-style: chr15-28326794-C-CT.
Other names: c.226dup, p.Arg76fs (NM_001300984.2); short protein forms R76fs.
Identifiers: ClinVar variation 5015459 (VCV005015459.1).